The following is an entry in ClinVar:

NM_000528.4(MAN2B1):c.2579C>T (p.Ala860Val)

Gene: MAN2B1 (mannosidase alpha class 2B member 1; minus strand). Cytogenetic location: 19p13.13.
Variant type: single nucleotide variant.
Coding change: c.2579C>T on transcript NM_000528.4 (MANE Select); coding-DNA position 2579, C replaced by T.
Protein change: p.Ala860Val; replaces alanine 860 with valine.
Molecular consequence: missense variant.
Genome position (GRCh38, 1-based): chr19:12,648,260, G>A on the plus strand (C>T on the coding strand, the complement: MAN2B1 is on the minus strand). VCF-style: chr19-12648260-G-A. GRCh37 (hg19) VCF-style: chr19-12759074-G-A.
Other names: c.2576C>T, p.Ala859Val (NM_001173498.2); short protein forms A859V, A860V.
Identifiers: ClinVar variation 2180463 (VCV002180463.2), dbSNP rs749425508, ClinGen allele CA9225980.

ClinVar aggregate classification (germline): Uncertain significance. Review status: criteria provided, multiple submitters, no conflicts (2 of 4 stars). 2 submissions from 2 submitters: Uncertain significance (2). Last evaluated 2022-04-01.

Conditions:
Deficiency of alpha-mannosidase (MANSA). Also called: LYSOSOMAL ALPHA-D-MANNOSIDASE DEFICIENCY; Mannosidosis, alpha-, types I and II; Alpha-Mannosidosis. Identifiers: Orphanet 61, MedGen C0024748, MONDO:0009561, OMIM 248500.

Allele frequency attached by ClinVar (database versions not stated): gnomAD 0.00001.

Submissions (2):

Labcorp Genetics (formerly Invitae), Labcorp
Classification: Uncertain significance for Deficiency of alpha-mannosidase. Last evaluated: 2022-04-01. Review status: criteria provided, single submitter. Criteria: Invitae Variant Classification Sherloc (09022015). Collection method: clinical testing. Allele origin: germline.
Comment: This sequence change replaces alanine, which is neutral and non-polar, with valine, which is neutral and non-polar, at codon 860 of the MAN2B1 protein (p.Ala860Val). This variant is present in population databases (rs749425508, gnomAD 0.02%). This variant has not been reported in the literature in individuals affected with MAN2B1-related conditions. Algorithms developed to predict the effect of missense changes on protein structure and function are either unavailable or do not agree on the potential impact of this missense change (SIFT: "Deleterious"; PolyPhen-2: "Probably Damaging"; Align-GVGD: "Class C0"). In summary, the available evidence is currently insufficient to determine the role of this variant in disease. Therefore, it has been classified as a Variant of Uncertain Significance.

Neuberg Centre For Genomic Medicine, NCGM
Classification: Uncertain significance for Deficiency of alpha-mannosidase. Review status: criteria provided, single submitter. Criteria: ACMG Guidelines, 2015. Collection method: clinical testing. Allele origin: germline. Inheritance: Autosomal recessive inheritance. Affected: yes.
Comment: The observed missense c.2579C>T(p.Ala860Val) variant in MAN2B1 gene has not been reported previously as a pathogenic variant nor as a benign variant, to our knowledge. This variant is reported with the allele frequency of 0.004% in the gnomAD Exomes. This variant has been reported to the ClinVar database as Uncertain Significance. However, no details are available for independent assessment. The amino acid Ala at position 860 is changed to a Val changing protein sequence and it might alter its composition and physico-chemical properties. The amino acid change p.Ala860Val in MAN2B1 is predicted as conserved by GERP++ and PhyloP across 100 vertebrates. Multiple lines of computational evidence (Polyphen - Possibly Damaging, SIFT - Damaging, and MutationTaster - Disease causing) predict a damaging effect on protein structure and function for this variant. For these reasons, this variant has been classified as Uncertain Significance.